The following is an entry in ClinVar:

ClinVar aggregate classification (germline): Likely benign. Review status: criteria provided, single submitter (1 of 4 stars). 2 submissions from 2 submitters: Likely benign (1). 1 of the submissions does not count toward it. Last evaluated 2025-10-14.

Conditions:
MPDZ-related disorder. Also called: MPDZ-related condition.

gnomAD v4.1: 3 of 1,591,116 alleles (0.00019%); highest among the groups gnomAD compares: African/African-American, 0.004%; no homozygotes.

Submissions (2):

Labcorp Genetics (formerly Invitae), Labcorp
Classification: Likely benign. Last evaluated: 2025-10-14. Review status: criteria provided, single submitter. Criteria: Invitae Variant Classification Sherloc (09022015). Collection method: clinical testing. Allele origin: germline.

PreventionGenetics, part of Exact Sciences
Classification: Likely benign for MPDZ-related condition. Last evaluated: 2024-07-27. Review status: no assertion criteria provided. Collection method: clinical testing. Allele origin: germline. Not counted in ClinVar's aggregate classification.
Comment: This variant is classified as likely benign based on ACMG/AMP sequence variant interpretation guidelines (Richards et al. 2015 PMID: 25741868, with internal and published modifications).

NM_001378778.1(MPDZ):c.2940G>A (p.Glu980=)

Gene: MPDZ (multiple PDZ domain crumbs cell polarity complex component; minus strand). Cytogenetic location: 9p23.
Variant type: single nucleotide variant.
Coding change: c.2940G>A on transcript NM_001378778.1 (MANE Select); coding-DNA position 2940, G replaced by A.
Protein change: p.Glu980=; no amino-acid change (glutamic acid 980 retained).
Molecular consequence: synonymous variant.
Genome position (GRCh38, 1-based): chr9:13,175,867, C>T on the plus strand (G>A on the coding strand, the complement: MPDZ is on the minus strand). VCF-style: chr9-13175867-C-T. GRCh37 (hg19) VCF-style: chr9-13175866-C-T.
Other names: c.2940G>A, p.Glu980= (NM_001261406.2, NM_001261407.2, NM_001330637.2 and 14 more transcripts); c.2940G>A (NM_003829.4).
Identifiers: ClinVar variation 1547764 (VCV001547764.9), dbSNP rs1174136570, ClinGen allele CA464023209.